The following is an entry in ClinVar:

NM_000038.6(APC):c.5441A>G (p.Gln1814Arg)

Gene: APC (APC regulator of Wnt signaling pathway; plus strand). Cytogenetic location: 5q22.2.
Variant type: single nucleotide variant.
Coding change: c.5441A>G on transcript NM_000038.6 (MANE Select); coding-DNA position 5441, A replaced by G.
Protein change: p.Gln1814Arg; replaces glutamine 1814 with arginine.
Molecular consequence: missense variant.
Genome position (GRCh38, 1-based): chr5:112,841,035, A>G. VCF-style: chr5-112841035-A-G. GRCh37 (hg19) VCF-style: chr5-112176732-A-G.
Other names: c.5441A>G, p.Gln1814Arg (NM_001127510.3, NM_001354895.2); c.5387A>G, p.Gln1796Arg (NM_001127511.3); c.5495A>G, p.Gln1832Arg (NM_001354896.2); c.5471A>G, p.Gln1824Arg (NM_001354897.2); c.5366A>G, p.Gln1789Arg (NM_001354898.2); c.5357A>G, p.Gln1786Arg (NM_001354899.2); c.5318A>G, p.Gln1773Arg (NM_001354900.2); c.5264A>G, p.Gln1755Arg (NM_001354901.2); and 5 more; short protein forms Q1796R, Q1814R, Q1531R, Q1688R, Q1755R, Q1773R, Q1713R, Q1723R.
Identifiers: ClinVar variation 186448 (VCV000186448.12), dbSNP rs786202960, ClinGen allele CA010413.
Genomic context (GRCh38, chr5:112,841,035, plus strand): 5'-ACTCAAAAAATAATTTAAATGCTGAGAGAGTTTTCTCAGACAACAAAGATTCAAAGAAAC[A>G]GAATTTGAAAAATAATTCCAAGGTCTTCAATGATAAGCTCCCAAATAATGAAGATAGAGT-3'
Protein context (NP_000029.2, residues 1804-1824): VFSDNKDSKK[Gln1814Arg]NLKNNSKVFN

ClinVar aggregate classification (germline): Uncertain significance. Review status: criteria provided, multiple submitters, no conflicts (2 of 4 stars). 2 submissions from 2 submitters: Uncertain significance (2). Last evaluated 2026-05-05.

Conditions:
Hereditary cancer-predisposing syndrome. Also called: Tumor predisposition; Hereditary Cancer Syndrome; Hereditary neoplastic syndrome; Neoplastic Syndromes, Hereditary. Identifiers: Orphanet 140162, MedGen C0027672, MeSH D009386, MONDO:0015356.

gnomAD v4.1: 1 of 1,610,982 alleles (0.000062%); highest among the groups gnomAD compares: Non-Finnish European, 0.000085%; no homozygotes.

Submissions (2):

Ambry Genetics
Classification: Uncertain significance for Hereditary cancer-predisposing syndrome. Last evaluated: 2026-05-05. Review status: criteria provided, single submitter. Criteria: Ambry Variant Classification Scheme 2023. Collection method: clinical testing. Allele origin: germline.

Color Diagnostics, LLC DBA Color Health
Classification: Uncertain significance for Hereditary cancer-predisposing syndrome. Last evaluated: 2023-12-05. Review status: criteria provided, single submitter. Criteria: ACMG Guidelines, 2015. Collection method: clinical testing. Allele origin: germline.
Comment: This missense variant replaces glutamine with arginine at codon 1814 of the APC protein. Computational prediction suggests that this variant may not impact protein structure and function (internally defined REVEL score threshold <= 0.5, PMID: 27666373). To our knowledge, functional studies have not been reported for this variant. This variant has not been reported in individuals affected with APC-related disorders in the literature. This variant has not been identified in the general population by the Genome Aggregation Database (gnomAD). The available evidence is insufficient to determine the role of this variant in disease conclusively. Therefore, this variant is classified as a Variant of Uncertain Significance.